The following is an entry in ClinVar:

NM_016373.4(WWOX):c.790C>T (p.Arg264Ter)

Gene: WWOX (WW domain containing oxidoreductase; plus strand). Cytogenetic location: 16q23.1.
Variant type: single nucleotide variant.
Coding change: c.790C>T on transcript NM_016373.4 (MANE Select); coding-DNA position 790, C replaced by T.
Protein change: p.Arg264Ter; replaces arginine 264 with a stop codon.
Molecular consequence: nonsense.
Genome position (GRCh38, 1-based): chr16:78,425,054, C>T. VCF-style: chr16-78425054-C-T. GRCh37 (hg19) VCF-style: chr16-78458951-C-T.
Other names: c.451C>T, p.Arg151Ter (NM_001291997.2); short protein forms R264*, R151*.
Identifiers: ClinVar variation 241105 (VCV000241105.16), dbSNP rs756762196, ClinGen allele CA8183456.
Genomic context (GRCh38, chr16:78,425,054, plus strand): 5'-CAGGATGTTTTGTGCCGCTCAGCTCCTGCCCGTGTCATTGTGGTCTCCTCAGAGTCCCAT[C>T]GGTGGGTTTGAATTGCATATTTGTTCACTTATCCCCTTTCTCATACCAGCTAATATTCCC-3'

ClinVar aggregate classification (germline): Pathogenic/Likely pathogenic. Review status: criteria provided, multiple submitters, no conflicts (2 of 4 stars). 8 submissions from 8 submitters: Pathogenic (6); Likely pathogenic (1). 1 of the submissions does not count toward it. Last evaluated 2025-12-19.

Conditions:
Developmental and epileptic encephalopathy, 28 (DEE28). Also called: Epileptic encephalopathy, early infantile, 28. Identifiers: Orphanet 442835, MedGen C4015519, MONDO:0014533, OMIM 616211.
Developmental and epileptic encephalopathy, 1 (DEE1). Also called: X-linked infantile spasms; West's syndrome; Tonic spasms with clustering, arrest of psychomotor development and hypsarrhythmia on EEG; X-Linked Infantile Spasm Syndrome; OHTAHARA SYNDROME, X-LINKED; INFANTILE SPASM SYNDROME, X-LINKED 1. Identifiers: MedGen C3463992, MONDO:0010632, OMIM 308350. Disease mechanism: loss of function.
Autosomal recessive spinocerebellar ataxia 12. Also called: SPINOCEREBELLAR ATAXIA WITH MENTAL RETARDATION AND EPILEPSY. Identifiers: Orphanet 284282, MedGen C3280452, MONDO:0013687, OMIM 614322.
WWOX-related disorder. Also called: WWOX-related condition.
Malignant tumor of esophagus. Also called: Esophageal cancer; Esophageal cancer, somatic. Identifiers: Orphanet 99977, MedGen C0546837, MONDO:0007576, OMIM 133239.

Allele frequency attached by ClinVar (database versions not stated): gnomAD exomes 0.00002; TOPMed 0.00002; ExAC 0.00002.
gnomAD v4.1: 18 of 1,613,428 alleles (0.0011%); highest among the groups gnomAD compares: South Asian, 0.0088%; no homozygotes.

Submissions (8):

Labcorp Genetics (formerly Invitae), Labcorp
Classification: Pathogenic for Developmental and epileptic encephalopathy, 1; Autosomal recessive spinocerebellar ataxia 12. Last evaluated: 2025-12-19. Review status: criteria provided, single submitter. Criteria: Invitae Variant Classification Sherloc (09022015). Collection method: clinical testing. Allele origin: germline.
Comment: This sequence change creates a premature translational stop signal (p.Arg264*) in the WWOX gene. It is expected to result in an absent or disrupted protein product. Loss-of-function variants in WWOX are known to be pathogenic (PMID: 24456803, 25411445). This variant is present in population databases (rs756762196, gnomAD 0.007%). This variant has not been reported in the literature in individuals affected with WWOX-related conditions. ClinVar contains an entry for this variant (Variation ID: 241105). For these reasons, this variant has been classified as Pathogenic.

GeneDx
Classification: Pathogenic. Last evaluated: 2025-10-26. Review status: criteria provided, single submitter. Criteria: GeneDx Variant Classification Process June 2021. Collection method: clinical testing. Allele origin: germline. Affected: yes.
Comment: Nonsense variant predicted to result in protein truncation or nonsense mediated decay in a gene for which loss of function is a known mechanism of disease; Not observed at significant frequency in large population cohorts (gnomAD); This variant is associated with the following publications: (PMID: 24932569, 25741868, 35573960, 31440721, 38074073, 38605122, 37583270, 32581702, 30356099)

First Genomix Gene Laboratory, Genetic Diagnostics Department
Classification: Likely pathogenic for Developmental and epileptic encephalopathy, 28; Autosomal recessive spinocerebellar ataxia 12. Last evaluated: 2025-05-29. Review status: criteria provided, single submitter. Criteria: ACMG Guidelines, 2015. Collection method: clinical testing. Allele origin: germline. Inheritance: Autosomal recessive inheritance. Affected: no. Observed: 1 variant allele.

Kids Research, The Children's Hospital at Westmead
Classification: Pathogenic for Developmental and epileptic encephalopathy, 28. Last evaluated: 2024-09-20. Review status: criteria provided, single submitter. Criteria: ACMG Guidelines, 2015. Collection method: research. Allele origin: germline. Affected: yes.
Comment: PVS1, PM2, PM3_Strong

Institute of Medical Genetics and Genomics, Sir Ganga Ram Hospital
Classification: Pathogenic for Developmental and epileptic encephalopathy, 28. Last evaluated: 2023-10-19. Review status: criteria provided, single submitter. Criteria: ACMG Guidelines, 2015. Collection method: clinical testing. Allele origin: germline. Inheritance: Autosomal recessive inheritance. Affected: yes.
Comment: This nucleotide change is present in gnomAD database with a low allele frequency of 0.0011% [PM2]. Insilico prediction [MutationTaster] predicts a deleterious nature of this variant [PP3]. A clinvar entry [Variation id: 241105] of this variant is already present with a "Pathogenic" interpretation [PP5]. Based on the clinical correlation and available evidence, this variant is classified as "Pathogenic"

Fulgent Genetics
Classification: Pathogenic for Malignant tumor of esophagus; Autosomal recessive spinocerebellar ataxia 12; Developmental and epileptic encephalopathy, 28. Last evaluated: 2021-09-20. Review status: criteria provided, single submitter. Criteria: ACMG Guidelines, 2015. Collection method: clinical testing. Allele origin: unknown.

Centre de Biologie Pathologie Génétique, Centre Hospitalier Universitaire de Lille
Classification: Pathogenic for Developmental and epileptic encephalopathy, 28. Review status: criteria provided, single submitter. Criteria: ACMG Guidelines, 2015. Collection method: clinical testing. Allele origin: inherited. Affected: yes.

PreventionGenetics, part of Exact Sciences
Classification: Pathogenic for WWOX-related condition. Last evaluated: 2024-04-29. Review status: no assertion criteria provided. Collection method: clinical testing. Allele origin: germline. Not counted in ClinVar's aggregate classification.
Comment: The WWOX c.790C>T variant is predicted to result in premature protein termination (p.Arg264*). This variant has been reported in the homozygous state in individuals with WWOX-related epileptic encephalopathy (Supplemental Table 1, Piard et al 2019. PubMed ID: 30356099; Iacomino M et al 2020. PubMed ID: 32581702) and the heterozygous state in individuals with epilepsy (Supplemental Table 2, Truty R et al 2019. PubMed ID: 31440721). This variant is reported in 0.0065% of alleles in individuals of South Asian descent in gnomAD. Nonsense variants in WWOX are expected to be pathogenic. This variant is interpreted as pathogenic.

Literature cited by the submitters: PubMed 24456803 (cited by Labcorp Genetics (formerly Invitae), Labcorp); PubMed 25411445 (cited by Labcorp Genetics (formerly Invitae), Labcorp); PubMed 35573960 (cited by Institute of Medical Genetics and Genomics, Sir Ganga Ram Hospital).